The following is an entry in ClinVar:

ClinVar aggregate classification (germline): Benign (1 of 4 stars; one submission).

Conditions:
Obesity. Also called: Obesity disorder. Identifiers: Orphanet 71529, MedGen C0028754, MeSH D009765, MONDO:0011122, HP:0001513.

Allele frequency attached by ClinVar (database versions not stated): gnomAD 0.00020 and 0.00036; TOPMed 0.00055; gnomAD exomes 0.00080; 1000 Genomes Project 30x 0.00234; 1000 Genomes Project 0.00240.

Submission:

Illumina Laboratory Services, Illumina
Classification: Benign for Inherited obesity. Last evaluated: 2017-04-27. Review status: criteria provided, single submitter. Criteria: ICSL Variant Classification Criteria 13 December 2019. Collection method: clinical testing. Allele origin: germline.
Comment: This variant was observed as part of a predisposition screen in an ostensibly healthy population. A literature search was performed for the gene, cDNA change, and amino acid change (where applicable). Publications were found based on this search. The evidence from the literature, in combination with allele frequency data from public databases where available, was sufficient to rule this variant out of causing disease. Therefore, this variant is classified as benign.

Literature cited by the submitters: PubMed 24512492.

NM_005912.3(MC4R):c.-216C>T

Gene: MC4R (melanocortin 4 receptor; minus strand). Cytogenetic location: 18q21.32.
Variant type: single nucleotide variant.
Coding change: c.-216C>T on transcript NM_005912.3 (MANE Select); 216 bases upstream of the start codon, C replaced by T.
Molecular consequence: 5 prime UTR variant.
Genome position (GRCh38, 1-based): chr18:60,372,565, G>A on the plus strand (C>T on the coding strand, the complement: MC4R is on the minus strand). VCF-style: chr18-60372565-G-A. GRCh37 (hg19) VCF-style: chr18-58039798-G-A.
Identifiers: ClinVar variation 890416 (VCV000890416.4), dbSNP rs139025325, ClinGen allele CA301530083.